The following is an entry in ClinVar:

ClinVar aggregate classification (germline): Pathogenic (1 of 4 stars; one submission).

Submission:

Labcorp Genetics (formerly Invitae), Labcorp
Classification: Pathogenic. Last evaluated: 2026-01-12. Review status: criteria provided, single submitter. Criteria: Invitae Variant Classification Sherloc (09022015). Collection method: clinical testing. Allele origin: germline.
Comment: This sequence change creates a premature translational stop signal (p.Thr101Profs*29) in the CD2AP gene. It is expected to result in an absent or disrupted protein product. Loss-of-function variants in CD2AP are known to be pathogenic (PMID: 10514378, 12764198, 17713465, 19131354, 30612599, 34408996). This variant is not present in population databases (gnomAD no frequency). This variant has not been reported in the literature in individuals affected with CD2AP-related conditions. For these reasons, this variant has been classified as Pathogenic.

Literature cited by the submitters: PubMed 10514378; PubMed 12764198; PubMed 17713465; PubMed 19131354; PubMed 30612599; PubMed 34408996.

NM_012120.3(CD2AP):c.301del (p.Thr101fs)

Gene: CD2AP (CD2 associated protein; plus strand). Cytogenetic location: 6p12.3.
Variant type: Deletion.
Coding change: c.301del on transcript NM_012120.3 (MANE Select); coding-DNA position 301, one base deleted (A; older notation c.301delA).
Protein change: p.Thr101fs; shifts the reading frame from threonine 101.
Molecular consequence: frameshift variant.
Genome position (GRCh38, 1-based): chr6:47,533,737, A deleted; the last of 3 consecutive A bases (chr6:47,533,735-47,533,737); deleting any one gives the same sequence. VCF-style (leftmost placement, unchanged base first): chr6-47533734-CA-C. GRCh37 (hg19) VCF-style: chr6-47501470-CA-C.
Other names: short protein forms T101fs.
Identifiers: ClinVar variation 4734644 (VCV004734644.1).